The following is an entry in ClinVar:

NM_001378969.1(KCND3):c.242A>C (p.Glu81Ala)

Gene: KCND3 (potassium voltage-gated channel subfamily D member 3; minus strand). Cytogenetic location: 1p13.2.
Variant type: single nucleotide variant.
Coding change: c.242A>C on transcript NM_001378969.1 (MANE Select); coding-DNA position 242, A replaced by C.
Protein change: p.Glu81Ala; replaces glutamic acid 81 with alanine.
Molecular consequence: missense variant.
Genome position (GRCh38, 1-based): chr1:111,982,485, T>G on the plus strand (A>C on the coding strand, the complement: KCND3 is on the minus strand). VCF-style: chr1-111982485-T-G. GRCh37 (hg19) VCF-style: chr1-112525107-T-G.
Other names: c.242A>C, p.Glu81Ala (NM_001378970.1, NM_004980.5, NM_172198.3); short protein forms E81A.
Identifiers: ClinVar variation 3389371 (VCV003389371.14).

ClinVar aggregate classification (germline): Uncertain significance (1 of 4 stars; one submission).

Submission:

CeGaT Center for Human Genetics Tuebingen
Classification: Uncertain significance. Last evaluated: 2024-11-01. Review status: criteria provided, single submitter. Criteria: CeGaT Center For Human Genetics Tuebingen Variant Classification Criteria Version 2. Collection method: clinical testing. Allele origin: germline. Affected: yes. Observed: 1 variant allele.
Comment: KCND3: PM2, PP2, PP3